The following is an entry in ClinVar:

ClinVar aggregate classification (germline): Likely pathogenic. Review status: criteria provided, multiple submitters, no conflicts (2 of 4 stars). 3 submissions from 3 submitters: Likely pathogenic (3). Last evaluated 2026-02-26.

Conditions:
Meier-Gorlin syndrome 1 (MGORS1). Also called: EAR, PATELLA, SHORT STATURE SYNDROME. Identifiers: Orphanet 2554, MedGen C4552001, MONDO:0009143, OMIM 224690.

Allele frequency attached by ClinVar (database versions not stated): TOPMed below 0.00001; gnomAD exomes below 0.00001.
gnomAD v4.1: 10 of 1,614,088 alleles (0.00062%); highest among the groups gnomAD compares: South Asian, 0.0033%; no homozygotes.

Submissions (3):

Dasa
Classification: Likely pathogenic for Meier-Gorlin syndrome 1. Last evaluated: 2026-02-26. Review status: criteria provided, single submitter. Criteria: DASA Assertion Criteria. Collection method: clinical testing. Allele origin: germline.
Comment: NM_004153.4(ORC1):c.313C>T (p.Arg105Trp) is a missense variant that results in the substitution of arginine with tryptophan. The affected residue or protein region has prior evidence supporting clinical relevance. This variant has been reported in individuals with ORC1-related disorders (PMID: 35568357). Also, this variant is rare in population databases. Computational evidence supports a deleterious effect. Based on the currently available evidence, this variant is classified as likely pathogenic.

3billion
Classification: Likely pathogenic for Meier-Gorlin syndrome 1. Last evaluated: 2024-03-07. Review status: criteria provided, single submitter. Criteria: ACMG Guidelines, 2015. Collection method: clinical testing. Allele origin: germline. Affected: yes.
Comment: The variant is observed at an extremely low frequency in the gnomAD v2.1.1 dataset (total allele frequency: <0.001%). Predicted Consequence/Location: Missense variant In silico tool predictions suggest damaging effect of the variant on gene or gene product [REVEL: 0.79 (>=0.6, sensitivity 0.68 and specificity 0.92); 3Cnet: 0.70 (>=0.6, sensitivity 0.72 and precision 0.9)]. Same nucleotide change resulting in same amino acid change has been previously reported to be associated with ORC1 related disorder (ClinVar ID: VCV000982308 /PMID: 35568357). The variant has been reported to be in trans with a pathogenic variant as either compound heterozygous or homozygous in at least one similarly affected unrelated individual (PMID: 35568357). A different missense change at the same codon (p.Arg105Gln) has been reported as pathogenic/likely pathogenic with strong evidence (ClinVar ID: VCV000030232 /PMID: 21358633). Therefore, this variant is classified as Likely pathogenic according to the recommendation of ACMG/AMP guideline.

Department of Medical Genetics, Sanjay Gandhi Post Graduate Institute of Medical Sciences
Classification: Likely pathogenic for Meier-Gorlin syndrome 1. Review status: criteria provided, single submitter. Criteria: ACMG Guidelines, 2015. Collection method: research. Allele origin: germline. Inheritance: Autosomal recessive inheritance. Affected: yes. Observed: 1 homozygote.
Comment: Analysis of the exome sequencing data showed a novel homozygous sequence variant in ORC1 gene. This variant is predicted as Disease Causing by MutationTaster. This variant is not found in ExAC and 1000G databases. Father's sample was not available

Literature cited by the submitters: PubMed 35568357 (cited by Dasa and 3billion); PubMed 21358633 (cited by 3billion).

NM_004153.4(ORC1):c.313C>T (p.Arg105Trp)

Gene: ORC1 (origin recognition complex subunit 1; minus strand). Cytogenetic location: 1p32.3.
Variant type: single nucleotide variant.
Coding change: c.313C>T on transcript NM_004153.4 (MANE Select); coding-DNA position 313, C replaced by T.
Protein change: p.Arg105Trp; replaces arginine 105 with tryptophan.
Molecular consequence: missense variant.
Genome position (GRCh38, 1-based): chr1:52,397,774, G>A on the plus strand (C>T on the coding strand, the complement: ORC1 is on the minus strand). VCF-style: chr1-52397774-G-A. GRCh37 (hg19) VCF-style: chr1-52863446-G-A.
Other names: c.313C>T, p.Arg105Trp (NM_001190818.2, NM_001190819.2); short protein forms R105W.
Identifiers: ClinVar variation 982308 (VCV000982308.4), dbSNP rs778980446, ClinGen allele CA340364785.